The following is an entry in ClinVar:

NM_018136.5(ASPM):c.6550C>T (p.Arg2184Trp)

Gene: ASPM (assembly factor for spindle microtubules; minus strand). Cytogenetic location: 1q31.3.
Variant type: single nucleotide variant.
Coding change: c.6550C>T on transcript NM_018136.5 (MANE Select); coding-DNA position 6550, C replaced by T.
Protein change: p.Arg2184Trp; replaces arginine 2184 with tryptophan.
Molecular consequence: missense variant. On other transcripts: intron variant (1).
Genome position (GRCh38, 1-based): chr1:197,102,701, G>A on the plus strand (C>T on the coding strand, the complement: ASPM is on the minus strand). VCF-style: chr1-197102701-G-A. GRCh37 (hg19) VCF-style: chr1-197071831-G-A.
Other names: c.4066-6537C>T (NM_001206846.2); c.6550C>T (NM_018136.4); short protein forms R2184W.
Identifiers: ClinVar variation 499741 (VCV000499741.14), dbSNP rs138727741, ClinGen allele CA1309570.

ClinVar aggregate classification (germline): Conflicting classifications of pathogenicity. Review status: criteria provided, conflicting classifications (1 of 4 stars). 4 submissions from 4 submitters: Uncertain significance (2); Likely benign (2). Last evaluated 2026-04-03.

Conditions:
Inborn genetic diseases. Identifiers: MedGen C0950123, MeSH D030342.

Allele frequency attached by ClinVar (database versions not stated): gnomAD 0.00004 and 0.00007; TOPMed 0.00007; gnomAD exomes 0.00009 and 0.00018; ESP Exome Variant Server 0.00015; ExAC 0.00017.
gnomAD v4.1: 140 of 1,612,520 alleles (0.0087%); highest among the groups gnomAD compares: South Asian, 0.11%; no homozygotes.

Submissions (4):

Women's Health and Genetics/Laboratory Corporation of America, LabCorp
Classification: Uncertain significance. Last evaluated: 2026-04-03. Review status: criteria provided, single submitter. Criteria: LabCorp Variant Classification Summary - May 2015. Collection method: clinical testing. Allele origin: germline.
Comment: Variant summary: ASPM c.6550C>T (p.Arg2184Trp) results in a non-conservative amino acid change in the encoded protein sequence. Algorithms developed to predict the effect of missense changes on protein structure and function are either unavailable or do not agree on the potential impact of this missense change. The variant allele was found at a frequency of 0.00018 in 249528 control chromosomes in the gnomAD database, including 1 homozygotes. This frequency is not significantly higher than estimated for disease-causing variants in ASPM, allowing no conclusion about variant significance. To our knowledge, no occurrence of c.6550C>T in individuals affected with ASPM-related conditions and no experimental evidence demonstrating its impact on protein function have been reported. ClinVar contains an entry for this variant (Variation ID: 499741). Based on the evidence outlined above, the variant was classified as uncertain significance.

Labcorp Genetics (formerly Invitae), Labcorp
Classification: Likely benign. Last evaluated: 2024-11-06. Review status: criteria provided, single submitter. Criteria: Invitae Variant Classification Sherloc (09022015). Collection method: clinical testing. Allele origin: germline.

Ambry Genetics
Classification: Likely benign for Inborn genetic diseases. Last evaluated: 2022-08-16. Review status: criteria provided, single submitter. Criteria: Ambry Variant Classification Scheme 2023. Collection method: clinical testing. Allele origin: germline.

Eurofins Ntd Llc (ga)
Classification: Uncertain significance. Last evaluated: 2017-01-26. Review status: criteria provided, single submitter. Criteria: EGL Classification Definitions 2015. Collection method: clinical testing. Allele origin: germline. Observed: 2 variant alleles, 2 heterozygotes.